The following is an entry in ClinVar:

NM_006311.4(NCOR1):c.1488G>A (p.Gly496=)

Gene: NCOR1 (nuclear receptor corepressor 1; minus strand). Cytogenetic location: 17p11.2.
Variant type: single nucleotide variant.
Coding change: c.1488G>A on transcript NM_006311.4 (MANE Select); coding-DNA position 1488, G replaced by A.
Protein change: p.Gly496=; no amino-acid change (glycine 496 retained).
Molecular consequence: synonymous variant.
Genome position (GRCh38, 1-based): chr17:16,137,332, C>T on the plus strand (G>A on the coding strand, the complement: NCOR1 is on the minus strand). VCF-style: chr17-16137332-C-T. GRCh37 (hg19) VCF-style: chr17-16040646-C-T.
Other names: c.1161G>A, p.Gly387= (NM_001190438.2); c.1488G>A, p.Gly496= (NM_001190440.2).
Identifiers: ClinVar variation 3049993 (VCV003049993.3), dbSNP rs147661610, ClinGen allele CA8409274.

ClinVar aggregate classification (germline): Likely benign. Review status: criteria provided, single submitter (1 of 4 stars). 2 submissions from 2 submitters: Likely benign (1). 1 of the submissions does not count toward it. Last evaluated 2024-09-13.

Conditions:
NCOR1-related disorder. Also called: NCOR1-related condition.

Allele frequency attached by ClinVar (database versions not stated): gnomAD exomes 0.00030; ExAC 0.00100; 1000 Genomes Project 0.00140; 1000 Genomes Project 30x 0.00141; ESP Exome Variant Server 0.00277; gnomAD 0.00282; TOPMed 0.00303.
gnomAD v4.1: 892 of 1,602,830 alleles (0.056%); highest among the groups gnomAD compares: African/African-American, 1%; 6 homozygotes.

Submissions (2):

Blueprint Genetics
Classification: Likely benign. Last evaluated: 2024-09-13. Review status: criteria provided, single submitter. Criteria: ACMG Guidelines, 2015. Collection method: clinical testing. Allele origin: germline.

PreventionGenetics, part of Exact Sciences
Classification: Benign for NCOR1-related condition. Last evaluated: 2019-07-11. Review status: no assertion criteria provided. Collection method: clinical testing. Allele origin: germline. Not counted in ClinVar's aggregate classification.
Comment: This variant is classified as benign based on ACMG/AMP sequence variant interpretation guidelines (Richards et al. 2015 PMID: 25741868, with internal and published modifications).